The following is an entry in ClinVar:

ClinVar aggregate classification (germline): Uncertain significance. Review status: criteria provided, multiple submitters, no conflicts (2 of 4 stars). 6 submissions from 6 submitters: Uncertain significance (6). Last evaluated 2024-07-18.

Conditions:
Familial cancer of breast. Also called: hereditary breast carcinoma; Hereditary breast cancer; BREAST CANCER, FAMILIAL. Identifiers: Orphanet 227535, MedGen C0346153, MONDO:0016419, OMIM 114480. Disease mechanism: loss of function.
Hereditary cancer-predisposing syndrome. Also called: Tumor predisposition; Hereditary neoplastic syndrome; Neoplastic Syndromes, Hereditary; Hereditary Cancer Syndrome. Identifiers: Orphanet 140162, MedGen C0027672, MeSH D009386, MONDO:0015356.

Allele frequency attached by ClinVar (database versions not stated): gnomAD exomes below 0.00001.

Submissions (6):

Labcorp Genetics (formerly Invitae), Labcorp
Classification: Uncertain significance for Familial cancer of breast. Last evaluated: 2024-07-18. Review status: criteria provided, single submitter. Criteria: Invitae Variant Classification Sherloc (09022015). Collection method: clinical testing. Allele origin: germline.
Comment: This sequence change replaces asparagine, which is neutral and polar, with tyrosine, which is neutral and polar, at codon 356 of the BARD1 protein (p.Asn356Tyr). This variant is not present in population databases (gnomAD no frequency). This variant has not been reported in the literature in individuals affected with BARD1-related conditions. ClinVar contains an entry for this variant (Variation ID: 818327). An algorithm developed to predict the effect of missense changes on protein structure and function (PolyPhen-2) suggests that this variant is likely to be tolerated. In summary, the available evidence is currently insufficient to determine the role of this variant in disease. Therefore, it has been classified as a Variant of Uncertain Significance.

Baylor Genetics
Classification: Uncertain significance for Familial cancer of breast. Last evaluated: 2024-03-12. Review status: criteria provided, single submitter. Criteria: ACMG Guidelines, 2015. Collection method: clinical testing. Allele origin: unknown.

Color Diagnostics, LLC DBA Color Health
Classification: Uncertain significance for Hereditary cancer-predisposing syndrome. Last evaluated: 2023-02-26. Review status: criteria provided, single submitter. Criteria: ACMG Guidelines, 2015. Collection method: clinical testing. Allele origin: germline.
Comment: This missense variant replaces asparagine with tyrosine at codon 356 of the BARD1 protein. Computational prediction suggests that this variant may not impact protein structure and function (internally defined REVEL score threshold <= 0.5, PMID: 27666373). To our knowledge, functional studies have not been reported for this variant. This variant has not been reported in individuals affected with BARD1-related disorders in the literature. This variant has not been identified in the general population by the Genome Aggregation Database (gnomAD). The available evidence is insufficient to determine the role of this variant in disease conclusively. Therefore, this variant is classified as a Variant of Uncertain Significance.

MGZ Medical Genetics Center
Classification: Uncertain significance for Familial cancer of breast. Last evaluated: 2022-04-12. Review status: criteria provided, single submitter. Criteria: ACMG Guidelines, 2015. Collection method: clinical testing. Allele origin: germline. Affected: yes. Observed: 1 variant allele.
Comment: ACMG criteria applied: PM2_SUP, BP4

Sema4
Classification: Uncertain significance for Hereditary cancer-predisposing syndrome. Last evaluated: 2022-01-02. Review status: criteria provided, single submitter. Criteria: Sema4 Curation Guidelines. Collection method: curation. Allele origin: germline.
Comment: The BARD1 c.1066A>T (p.N356Y) variant has not been reported in the literature to our knowledge. This variant has not been reported in the large and broad cohorts of the Genome Aggregation Database (PMID: 32461654). This variant has been reported in ClinVar (Variation ID: 818327). Functional studies have not been performed, and in silico predictions of the variant's effect on protein function are inconclusive. The evidence is insufficient to meet ACMG/AMP criteria for classifying the variant as benign or pathogenic. Thus, the clinical significance of this variant is currently uncertain.

Ambry Genetics
Classification: Uncertain significance for Hereditary cancer-predisposing syndrome. Last evaluated: 2019-09-10. Review status: criteria provided, single submitter. Criteria: Ambry Variant Classification Scheme 2023. Collection method: clinical testing. Allele origin: germline.
Comment: The p.N356Y variant (also known as c.1066A>T), located in coding exon 4 of the BARD1 gene, results from an A to T substitution at nucleotide position 1066. The asparagine at codon 356 is replaced by tyrosine, an amino acid with dissimilar properties. This amino acid position is not well conserved in available vertebrate species. In addition, this alteration is predicted to be tolerated by in silico analysis. Since supporting evidence is limited at this time, the clinical significance of this alteration remains unclear.

NM_000465.4(BARD1):c.1066A>T (p.Asn356Tyr)

Gene: BARD1 (BRCA1 associated RING domain 1; minus strand). Cytogenetic location: 2q35.
Variant type: single nucleotide variant.
Coding change: c.1066A>T on transcript NM_000465.4 (MANE Select); coding-DNA position 1066, A replaced by T.
Protein change: p.Asn356Tyr; replaces asparagine 356 with tyrosine.
Molecular consequence: missense variant. On other transcripts: non-coding transcript variant (2), intron variant (3).
Genome position (GRCh38, 1-based): chr2:214,780,808, T>A on the plus strand (A>T on the coding strand, the complement: BARD1 is on the minus strand). VCF-style: chr2-214780808-T-A. GRCh37 (hg19) VCF-style: chr2-215645532-T-A.
Other names: c.1009A>T, p.Asn337Tyr (NM_001282543.2); c.159-28253A>T (NM_001282548.2); c.215+16253A>T (NM_001282545.2); c.364+11489A>T (NM_001282549.2); short protein forms N356Y, N337Y.
Identifiers: ClinVar variation 818327 (VCV000818327.15), dbSNP rs1574817638, ClinGen allele CA350454124.